The following is an entry in ClinVar:

ClinVar aggregate classification (germline): Likely benign (1 of 4 stars; one submission).

gnomAD v4.1: 44 of 1,613,858 alleles (0.0027%); highest among the groups gnomAD compares: East Asian, 0.016%; no homozygotes.

Submission:

CeGaT Center for Human Genetics Tuebingen
Classification: Likely benign. Last evaluated: 2025-11-01. Review status: criteria provided, single submitter. Criteria: CeGaT Center For Human Genetics Tuebingen Variant Classification Criteria Version 2. Collection method: clinical testing. Allele origin: germline. Affected: yes. Observed: 1 variant allele.
Comment: ZFHX4: BP4, BP7

NM_024721.5(ZFHX4):c.4113C>T (p.Pro1371=)

Gene: ZFHX4 (zinc finger homeobox 4; plus strand). Cytogenetic location: 8q21.13.
Variant type: single nucleotide variant.
Coding change: c.4113C>T on transcript NM_024721.5 (MANE Select); coding-DNA position 4113, C replaced by T.
Protein change: p.Pro1371=; no amino-acid change (proline 1371 retained).
Molecular consequence: synonymous variant.
Genome position (GRCh38, 1-based): chr8:76,851,034, C>T. VCF-style: chr8-76851034-C-T. GRCh37 (hg19) VCF-style: chr8-77763270-C-T.
Other names: c.4035C>T, p.Pro1345= (NM_001410934.1).
Identifiers: ClinVar variation 4534436 (VCV004534436.6).